The following is an entry in ClinVar:

ClinVar aggregate classification (germline): Likely benign. Review status: criteria provided, single submitter (1 of 4 stars). 2 submissions from 2 submitters: Likely benign (1). 1 of the submissions does not count toward it. Last evaluated 2025-03-31.

Conditions:
FRAS1-related disorder. Also called: FRAS1-related condition.

Allele frequency attached by ClinVar (database versions not stated): ExAC 0.00001; gnomAD 0.00001; TOPMed 0.00004.

Submissions (2):

Labcorp Genetics (formerly Invitae), Labcorp
Classification: Likely benign. Last evaluated: 2025-03-31. Review status: criteria provided, single submitter. Criteria: Invitae Variant Classification Sherloc (09022015). Collection method: clinical testing. Allele origin: germline.

PreventionGenetics, part of Exact Sciences
Classification: Likely benign for FRAS1-related condition. Last evaluated: 2024-08-20. Review status: no assertion criteria provided. Collection method: clinical testing. Allele origin: germline. Not counted in ClinVar's aggregate classification.
Comment: This variant is classified as likely benign based on ACMG/AMP sequence variant interpretation guidelines (Richards et al. 2015 PMID: 25741868, with internal and published modifications).

NM_025074.7(FRAS1):c.1176C>T (p.Tyr392=)

Gene: FRAS1 (Fraser extracellular matrix complex subunit 1; plus strand). Cytogenetic location: 4q21.21.
Variant type: single nucleotide variant.
Coding change: c.1176C>T on transcript NM_025074.7 (MANE Select); coding-DNA position 1176, C replaced by T.
Protein change: p.Tyr392=; no amino-acid change (tyrosine 392 retained).
Molecular consequence: synonymous variant.
Genome position (GRCh38, 1-based): chr4:78,282,888, C>T. VCF-style: chr4-78282888-C-T. GRCh37 (hg19) VCF-style: chr4-79204042-C-T.
Other names: c.1176C>T, p.Tyr392= (NM_001166133.2); c.1176C>T (NM_025074.6).
Identifiers: ClinVar variation 2912489 (VCV002912489.4), dbSNP rs766539773, ClinGen allele CA2976207.